The following is an entry in ClinVar:

ClinVar aggregate classification (germline): Uncertain significance. Review status: criteria provided, multiple submitters, no conflicts (2 of 4 stars). 3 submissions from 3 submitters: Uncertain significance (3). Last evaluated 2026-07-06.

Conditions:
Hereditary cancer-predisposing syndrome. Also called: Tumor predisposition; Hereditary Cancer Syndrome; Hereditary neoplastic syndrome; Neoplastic Syndromes, Hereditary. Identifiers: Orphanet 140162, MedGen C0027672, MeSH D009386, MONDO:0015356.

Submissions (3):

Ambry Genetics
Classification: Uncertain significance for Hereditary cancer-predisposing syndrome. Last evaluated: 2026-07-06. Review status: criteria provided, single submitter. Criteria: Ambry Variant Classification Scheme 2023. Collection method: clinical testing. Allele origin: germline.
Comment: The p.R268I variant (also known as c.803G>T), located in coding exon 6 of the FH gene, results from a G to T substitution at nucleotide position 803. The arginine at codon 268 is replaced by isoleucine, an amino acid with similar properties. This amino acid position is conserved. In addition, this alteration is predicted to be deleterious by in silico analysis. Based on the available evidence, the clinical significance of this variant remains unclear.

GeneDx
Classification: Uncertain significance. Last evaluated: 2022-09-28. Review status: criteria provided, single submitter. Criteria: GeneDx Variant Classification Process June 2021. Collection method: clinical testing. Allele origin: germline. Affected: yes.
Comment: Not observed in large population cohorts (gnomAD); In silico analysis supports that this missense variant has a deleterious effect on protein structure/function; Has not been previously published as pathogenic or benign to our knowledge

Labcorp Genetics (formerly Invitae), Labcorp
Classification: Uncertain significance. Last evaluated: 2020-02-26. Review status: criteria provided, single submitter. Criteria: Invitae Variant Classification Sherloc (09022015). Collection method: clinical testing. Allele origin: germline.
Comment: This sequence change replaces arginine with isoleucine at codon 268 of the FH protein (p.Arg268Ile). The arginine residue is highly conserved and there is a moderate physicochemical difference between arginine and isoleucine. In summary, the available evidence is currently insufficient to determine the role of this variant in disease. Therefore, it has been classified as a Variant of Uncertain Significance. Algorithms developed to predict the effect of missense changes on protein structure and function are either unavailable or do not agree on the potential impact of this missense change (SIFT: "Deleterious"; PolyPhen-2: "Probably Damaging"; Align-GVGD: "Class C15"). This variant has not been reported in the literature in individuals with FH-related conditions. This variant is not present in population databases (ExAC no frequency).

NM_000143.4(FH):c.803G>T (p.Arg268Ile)

Gene: FH (fumarate hydratase; minus strand). Cytogenetic location: 1q43.
Variant type: single nucleotide variant.
Coding change: c.803G>T on transcript NM_000143.4 (MANE Select); coding-DNA position 803, G replaced by T.
Protein change: p.Arg268Ile; replaces arginine 268 with isoleucine.
Molecular consequence: missense variant.
Genome position (GRCh38, 1-based): chr1:241,506,104, C>A on the plus strand (G>T on the coding strand, the complement: FH is on the minus strand). VCF-style: chr1-241506104-C-A. GRCh37 (hg19) VCF-style: chr1-241669404-C-A.
Other names: c.803G>T (NM_000143.3); short protein forms R268I.
Identifiers: ClinVar variation 1052343 (VCV001052343.48), dbSNP rs1659923371, ClinGen allele CA345438991.